The following is an entry in ClinVar:

ClinVar aggregate classification (germline): Pathogenic/Likely pathogenic. Review status: criteria provided, multiple submitters, no conflicts (2 of 4 stars). 9 submissions from 9 submitters: Pathogenic (6); Likely pathogenic (2). 1 of the submissions does not count toward it. Last evaluated 2026-05-04.

Conditions:
Deficiency of mevalonate kinase. Also called: Mevalonate kinase deficiency. Identifiers: Orphanet 309025, MedGen C0342731, MONDO:0017708.
MVK-related disorder. Also called: MVK-related condition; MVK-related disorders. Identifiers: MedGen CN239294.
Mevalonic aciduria (MEVA). Identifiers: Orphanet 29, MedGen C1959626, MONDO:0012481, OMIM 610377.
Porokeratosis 3, disseminated superficial actinic type (POROK3). Also called: POROKERATOSIS 3, MULTIPLE TYPES; POROKERATOSIS 3, MIBELLI TYPE; POROKERATOSIS, DISSEMINATED SUPERFICIAL ACTINIC, 1. Identifiers: MedGen C1867981, MONDO:0008293, OMIM 175900.
Hyperimmunoglobulin D with periodic fever (HIDS). Also called: Hyperimmunoglobulinemia D with periodic fever; HYPERIMMUNOGLOBULINEMIA D AND PERIODIC FEVER SYNDROME; Hyperimmunoglobulinemia D. Identifiers: Orphanet 343, MedGen C0398691, MONDO:0009849, OMIM 260920.

Allele frequency attached by ClinVar (database versions not stated): gnomAD exomes 0.00002; gnomAD 0.00001; ExAC 0.00002.

Submissions (9):

Victorian Clinical Genetics Services, Murdoch Childrens Research Institute
Classification: Pathogenic for Deficiency of mevalonate kinase. Last evaluated: 2026-05-04. Review status: criteria provided, single submitter. Criteria: ACMG Guidelines, 2015. Collection method: clinical testing. Allele origin: germline.
Comment: This variant is classified as Pathogenic. Evidence in support of pathogenic classification: Variant is present in gnomAD <0.01 for a recessive condition (v4: 12 heterozygote(s), 0 homozygote(s)); This variant has strong previous evidence of pathogenicity in unrelated individuals. This variant has been reported in multiple individuals with mevalonate kinase deficiency (PMID: 31096039, 16835861, 16435209, 34145613). It has been classified multiple times as pathogenic or likely pathogenic by clinical laboratories in ClinVar; Missense variant predicted to be damaging by in silico tool(s) or highly conserved with a major amino acid change. Additional information: Variant is predicted to result in a missense amino acid change from Thr to Ser; This variant is heterozygous; This gene is associated with autosomal recessive disease; Alternative amino acid change(s) at the same position are present in gnomAD (highest allele count: v4: 1 heterozygote(s), 0 homozygote(s)); Variant is not located in an established domain, motif, hotspot or informative constraint region; Loss of function is a known mechanism of disease in this gene and is associated with mevalonate kinase deficiency (MONDO:0017708); Variants in this gene are known to have variable expressivity. Intra-familial variability has been reported (PMID: 32822427). In addition, this gene may be associated with a spectrum of disease, including severe perinatal presentations with hydrops (PMID: 27012807).

Dasa
Classification: Likely pathogenic. Last evaluated: 2026-02-09. Review status: criteria provided, single submitter. Criteria: DASA Assertion Criteria. Collection method: clinical testing. Allele origin: germline.
Comment: NM_000431.4(MVK):c.709A>T (p.Thr237Ser) is a missense variant that results in the substitution of threonine with serine. This variant has been recurrently observed in individuals with MVK-related disorders (PMID: 31096039; PMID: 34145613; PMID: 16197847). Also, this variant is rare in population databases. Computational evidence supports a deleterious effect. Based on the currently available evidence, this variant is classified as likely pathogenic.

GeneDx
Classification: Pathogenic. Last evaluated: 2025-10-30. Review status: criteria provided, single submitter. Criteria: GeneDx Variant Classification Process June 2021. Collection method: clinical testing. Allele origin: germline. Affected: yes.
Comment: Published functional studies demonstrate a significantly lowered MK enzyme activity (PMID: 16435209, 16835861); Not observed at significant frequency in large population cohorts (gnomAD); In silico analysis supports that this missense variant has a deleterious effect on protein structure/function; This variant is associated with the following publications: (PMID: 25525159, 21708801, 34145613, 16835861, 16435209, 21225694, 22038276, 22566169, 27213830, 21124859, 28814775, 31096039, 31589614)

Labcorp Genetics (formerly Invitae), Labcorp
Classification: Pathogenic for Mevalonic aciduria; Hyperimmunoglobulin D with periodic fever; Porokeratosis 3, disseminated superficial actinic type. Last evaluated: 2024-03-14. Review status: criteria provided, single submitter. Criteria: Invitae Variant Classification Sherloc (09022015). Collection method: clinical testing. Allele origin: germline.
Comment: This sequence change replaces threonine, which is neutral and polar, with serine, which is neutral and polar, at codon 237 of the MVK protein (p.Thr237Ser). This variant is present in population databases (rs104895366, gnomAD 0.002%). This missense change has been observed in individual(s) with Mevalonate kinase deficiency (PMID: 16197847, 16835861, 21708801, 28814775, 31096039). ClinVar contains an entry for this variant (Variation ID: 97612). Advanced modeling of protein sequence and biophysical properties (such as structural, functional, and spatial information, amino acid conservation, physicochemical variation, residue mobility, and thermodynamic stability) performed at Invitae indicates that this missense variant is not expected to disrupt MVK protein function with a negative predictive value of 80%. For these reasons, this variant has been classified as Pathogenic.

Fulgent Genetics
Classification: Pathogenic for Porokeratosis 3, disseminated superficial actinic type; Hyperimmunoglobulin D with periodic fever; Mevalonic aciduria. Last evaluated: 2024-01-14. Review status: criteria provided, single submitter. Criteria: ACMG Guidelines, 2015. Collection method: clinical testing. Allele origin: germline.

Laboratorio de Genetica e Diagnostico Molecular, Hospital Israelita Albert Einstein
Classification: Likely pathogenic for Hyperimmunoglobulin D with periodic fever. Last evaluated: 2022-10-21. Review status: criteria provided, single submitter. Criteria: ACMG Guidelines, 2015. Collection method: clinical testing. Allele origin: germline. Affected: yes. Observed: 1 variant allele.
Comment: ACMG classification criteria: PS3 supporting, PS4 strong, PM2 moderated, PP3 supporting

Blueprint Genetics
Classification: Pathogenic for MVK-related disorders. Last evaluated: 2021-03-22. Review status: criteria provided, single submitter. Criteria: ACMG Guidelines, 2015. Collection method: clinical testing. Allele origin: germline. Affected: yes. Observed: 1 variant allele.

CeGaT Center for Human Genetics Tuebingen
Classification: Pathogenic. Last evaluated: 2019-04-01. Review status: criteria provided, single submitter. Criteria: CeGaT Center For Human Genetics Tuebingen Variant Classification Criteria Version 2. Collection method: clinical testing. Allele origin: germline. Affected: yes. Observed: 1 variant allele.

Unité médicale des maladies autoinflammatoires, CHRU Montpellier
No classification provided. Condition: Hyperimmunoglobulin D with periodic fever. Review status: no classification provided. Collection method: not provided. Allele origin: unknown. Not counted in ClinVar's aggregate classification.
Comment: also involved in OMIM 25117

Literature cited by the submitters: PubMed 32822427 (cited by Victorian Clinical Genetics Services, Murdoch Childrens Research Institute); PubMed 16835861 (cited by Victorian Clinical Genetics Services, Murdoch Childrens Research Institute and Labcorp Genetics (formerly Invitae), Labcorp); PubMed 31096039 (cited by 3 submitters); PubMed 34145613 (cited by Victorian Clinical Genetics Services, Murdoch Childrens Research Institute and Dasa); PubMed 16435209 (cited by Victorian Clinical Genetics Services, Murdoch Childrens Research Institute); PubMed 27012807 (cited by Victorian Clinical Genetics Services, Murdoch Childrens Research Institute); PubMed 16197847 (cited by Dasa and Labcorp Genetics (formerly Invitae), Labcorp); PubMed 21708801 (cited by Labcorp Genetics (formerly Invitae), Labcorp); PubMed 28814775 (cited by Labcorp Genetics (formerly Invitae), Labcorp).

NM_000431.4(MVK):c.709A>T (p.Thr237Ser)

Gene: MVK (mevalonate kinase; plus strand). Cytogenetic location: 12q24.11.
Variant type: single nucleotide variant.
Coding change: c.709A>T on transcript NM_000431.4 (MANE Select); coding-DNA position 709, A replaced by T.
Protein change: p.Thr237Ser; replaces threonine 237 with serine.
Molecular consequence: missense variant.
Genome position (GRCh38, 1-based): chr12:109,590,802, A>T. VCF-style: chr12-109590802-A-T. GRCh37 (hg19) VCF-style: chr12-110028607-A-T.
Other names: c.709A>T (LRG_156t1); c.709A>T, p.Thr237Ser (NM_001114185.3); c.553A>T, p.Thr185Ser (NM_001301182.2); short protein forms T237S, T185S.
Identifiers: ClinVar variation 97612 (VCV000097612.60), dbSNP rs104895366, ClinGen allele CA149879.